The following is an entry in ClinVar:

NM_015231.3(NUP160):c.853C>T (p.Leu285=)

Gene: NUP160 (nucleoporin 160; minus strand). Cytogenetic location: 11p11.2.
Variant type: single nucleotide variant.
Coding change: c.853C>T on transcript NM_015231.3 (MANE Select); coding-DNA position 853, C replaced by T.
Protein change: p.Leu285=; no amino-acid change (leucine 285 retained).
Molecular consequence: synonymous variant. On other transcripts: non-coding transcript variant (1).
Genome position (GRCh38, 1-based): chr11:47,835,797, G>A on the plus strand (C>T on the coding strand, the complement: NUP160 is on the minus strand). VCF-style: chr11-47835797-G-A. GRCh37 (hg19) VCF-style: chr11-47857349-G-A.
Identifiers: ClinVar variation 3036203 (VCV003036203.2), dbSNP rs755169593, ClinGen allele CA5981492.

ClinVar aggregate classification (germline): Likely benign (0 of 4 stars; one submission).

Conditions:
NUP160-related disorder. Also called: NUP160-related condition.

Allele frequency attached by ClinVar (database versions not stated): gnomAD exomes 0.00002; ExAC 0.00003; TOPMed 0.00005.
gnomAD v4.1: 25 of 1,588,134 alleles (0.0016%); highest among the groups gnomAD compares: Admixed American, 0.036%; no homozygotes.

Submission:

PreventionGenetics, part of Exact Sciences
Classification: Likely benign for NUP160-related condition. Last evaluated: 2022-12-19. Review status: no assertion criteria provided. Collection method: clinical testing. Allele origin: germline.
Comment: This variant is classified as likely benign based on ACMG/AMP sequence variant interpretation guidelines (Richards et al. 2015 PMID: 25741868, with internal and published modifications).